The following is an entry in ClinVar:

ClinVar aggregate classification (germline): Pathogenic. Review status: criteria provided, multiple submitters, no conflicts (2 of 4 stars). 2 submissions from 2 submitters: Pathogenic (2). Last evaluated 2024-12-17.

Conditions:
Ataxia-telangiectasia-like disorder (ATLD). Identifiers: MedGen C1858391, MONDO:0011457.
Hereditary cancer-predisposing syndrome. Also called: Tumor predisposition; Hereditary neoplastic syndrome; Neoplastic Syndromes, Hereditary; Hereditary Cancer Syndrome. Identifiers: Orphanet 140162, MedGen C0027672, MeSH D009386, MONDO:0015356.

Submissions (2):

Labcorp Genetics (formerly Invitae), Labcorp
Classification: Pathogenic for Ataxia-telangiectasia-like disorder. Last evaluated: 2024-12-17. Review status: criteria provided, single submitter. Criteria: Invitae Variant Classification Sherloc (09022015). Collection method: clinical testing. Allele origin: germline.
Comment: This sequence change creates a premature translational stop signal (p.Gln482Alafs*4) in the MRE11 gene. It is expected to result in an absent or disrupted protein product. Loss-of-function variants in MRE11 are known to be pathogenic (PMID: 23080121, 23912341). This variant is present in population databases (no rsID available, gnomAD 0.006%). This variant has not been reported in the literature in individuals affected with MRE11-related conditions. For these reasons, this variant has been classified as Pathogenic.

Ambry Genetics
Classification: Pathogenic for Hereditary cancer-predisposing syndrome. Last evaluated: 2022-03-15. Review status: criteria provided, single submitter. Criteria: Ambry Variant Classification Scheme 2023. Collection method: clinical testing. Allele origin: germline.
Comment: The c.1444_1445delCA pathogenic mutation, located in coding exon 12 of the MRE11A gene, results from a deletion of two nucleotides at nucleotide positions 1444 to 1445, causing a translational frameshift with a predicted alternate stop codon (p.Q482Afs*4). This alteration is expected to result in loss of function by premature protein truncation or nonsense-mediated mRNA decay. As such, this alteration is interpreted as a disease-causing mutation.

Literature cited by the submitters: PubMed 23080121 (cited by Labcorp Genetics (formerly Invitae), Labcorp); PubMed 23912341 (cited by Labcorp Genetics (formerly Invitae), Labcorp).

NM_005591.4(MRE11):c.1444_1445del (p.Gln482fs)

Gene: MRE11 (MRE11 double strand break repair nuclease; minus strand). Cytogenetic location: 11q21.
Variant type: Microsatellite.
Coding change: c.1444_1445del on transcript NM_005591.4 (MANE Select); coding-DNA positions 1444 to 1445, 2 bases deleted (CA; older notation c.1444_1445delCA).
Protein change: p.Gln482fs; shifts the reading frame from glutamine 482.
Molecular consequence: frameshift variant.
Genome position (GRCh38, 1-based): chr11:94,459,463-94,459,464, TG deleted on the plus strand (CA on the coding strand, the reverse complement: MRE11 is on the minus strand); deleting any 2 consecutive bases within chr11:94,459,463-94,459,467 gives the same sequence; the c. name uses the placement nearest the transcript's 3' end. VCF-style (leftmost placement, unchanged base first): chr11-94459462-CTG-C. GRCh37 (hg19) VCF-style: chr11-94192628-CTG-C.
Other names: c.1444_1445del, p.Gln482fs (NM_001330347.2, NM_005590.4); short protein forms Q482fs.
Identifiers: ClinVar variation 819233 (VCV000819233.11), dbSNP rs1245161888, ClinGen allele CA601193685.
Genomic context (GRCh38, chr11:94,459,462, plus strand): 5'-ACTTACCTCCTCATCGATTTTGTCTTCGAGGGCATCAATATGACGTTCTTTAAGAAATCG[CTG>C]TGTTTTTTCCAACTGGTATTTCACTAATTCCTCAATGGCATCTTTCTCCTCCTTGTCCAC-3'